The following is an entry in ClinVar:

ClinVar aggregate classification (germline): Uncertain significance. Review status: criteria provided, single submitter (1 of 4 stars). 2 submissions from 2 submitters: Uncertain significance (1). 1 of the submissions does not count toward it. Last evaluated 2025-05-19.

Conditions:
Retinal dystrophy. Also called: Inherited retinal dystrophy. Identifiers: Orphanet 71862, MedGen C0854723, MeSH D058499, MONDO:0019118, HP:0000556.

Submissions (2):

Labcorp Genetics (formerly Invitae), Labcorp
Classification: Uncertain significance. Last evaluated: 2025-05-19. Review status: criteria provided, single submitter. Criteria: Invitae Variant Classification Sherloc (09022015). Collection method: clinical testing. Allele origin: germline.
Comment: This variant, c.1014_1015delinsCT, is a complex sequence change that results in the deletion of 2 and insertion of 2 amino acid(s) in the BEST1 protein (p.Trp338_Asn339delinsCysTyr). Information on the frequency of this variant in the gnomAD database is not available, as this variant may be reported differently in the database. This variant has been observed in individual(s) with Stargardt disease and/or vitelliform macular lesions (PMID: 29215532, 36264634). ClinVar contains an entry for this variant (Variation ID: 1517426). Algorithms developed to predict the effect of variants on gene product structure and function are not available or were not evaluated for this variant. Experimental studies have shown that this variant affects BEST1 function (PMID: 36264634). In summary, the available evidence is currently insufficient to determine the role of this variant in disease. Therefore, it has been classified as a Variant of Uncertain Significance.

Institute of Human Genetics, Univ. Regensburg, Univ. Regensburg
Classification: Uncertain significance for Retinal dystrophy. Last evaluated: 2022-01-01. Review status: no assertion criteria provided. Criteria: ACMG Guidelines, 2015. Collection method: clinical testing. Allele origin: germline. Affected: yes. Not counted in ClinVar's aggregate classification.

Literature cited by the submitters: PubMed 29215532 (cited by Labcorp Genetics (formerly Invitae), Labcorp); PubMed 36264634 (cited by Labcorp Genetics (formerly Invitae), Labcorp).

NM_004183.4(BEST1):c.1014_1015delinsCT (p.Trp338_Asn339delinsCysTyr)

Gene: BEST1 (bestrophin 1; plus strand). Cytogenetic location: 11q12.3.
Variant type: Indel.
Coding change: c.1014_1015delinsCT on transcript NM_004183.4 (MANE Select); coding-DNA positions 1014 to 1015, GA replaced by CT.
Protein change: p.Trp338_Asn339delinsCysTyr.
Molecular consequence: missense variant. On other transcripts: non-coding transcript variant (1).
Genome position (GRCh38, 1-based): chr11:61,959,957-61,959,958, GA replaced by CT. VCF-style: chr11-61959957-GA-CT. GRCh37 (hg19) VCF-style: chr11-61727429-GA-CT.
Other names: c.834_835delGAinsCT, p.Trp278_Asn279delinsCysTyr (NM_001139443.3); c.753_754delinsCT, p.Trp251_Asn252delinsCysTyr (NM_001300786.2); c.834_835delinsCT, p.Trp278_Asn279delinsCysTyr (NM_001300787.2); c.696_697delGAinsCT, p.Trp232_Asn233delinsCysTyr (NM_001363591.3); c.1217_1218delGAinsCT, p.Gly406Ala (NM_001363592.2); c.42_43delGAinsCT, p.Trp14_Asn15delinsCysTyr (NM_001363593.3); short protein forms G406A.
Identifiers: ClinVar variation 1517426 (VCV001517426.7), dbSNP rs2134455849, ClinGen allele CA2573147315.
Genomic context (GRCh38, chr11:61,959,957, plus strand): 5'-CCTGTTGGCTGTGGATGAGATGCACCAGGACCTGCCTCGGATGGAGCCGGACATGTACTG[GA>CT]ATAAGCCCGAGCCACAGCCCCCCTACACAGCTGCTTCCGCCCAGTTCCGTCGAGCCTCCT-3'